The following is an entry in ClinVar:

ClinVar aggregate classification (germline): Pathogenic. Review status: criteria provided, multiple submitters, no conflicts (2 of 4 stars). 2 submissions from 2 submitters: Pathogenic (2). Last evaluated 2026-05-01.

Conditions:
Tuberous sclerosis 1 (TSC1). Identifiers: Orphanet 805, MedGen C1854465, MONDO:0008612, OMIM 191100.

Submissions (2):

CeGaT Center for Human Genetics Tuebingen
Classification: Pathogenic. Last evaluated: 2026-05-01. Review status: criteria provided, single submitter. Criteria: CeGaT Center For Human Genetics Tuebingen Variant Classification Criteria Version 2. Collection method: clinical testing. Allele origin: germline. Affected: yes. Observed: 1 variant allele.
Comment: TSC1: PVS1, PM2

Labcorp Genetics (formerly Invitae), Labcorp
Classification: Pathogenic for Tuberous sclerosis 1. Last evaluated: 2024-11-12. Review status: criteria provided, single submitter. Criteria: Invitae Variant Classification Sherloc (09022015). Collection method: clinical testing. Allele origin: germline.
Comment: This sequence change creates a premature translational stop signal (p.Tyr704Thrfs*3) in the TSC1 gene. It is expected to result in an absent or disrupted protein product. Loss-of-function variants in TSC1 are known to be pathogenic (PMID: 10227394, 17304050). This variant is not present in population databases (gnomAD no frequency). This variant has not been reported in the literature in individuals affected with TSC1-related conditions. ClinVar contains an entry for this variant (Variation ID: 2696289). For these reasons, this variant has been classified as Pathogenic.

Literature cited by the submitters: PubMed 10227394 (cited by Labcorp Genetics (formerly Invitae), Labcorp); PubMed 17304050 (cited by Labcorp Genetics (formerly Invitae), Labcorp).

NM_000368.5(TSC1):c.2105_2108dup (p.Tyr704fs)

Gene: TSC1 (TSC complex subunit 1; minus strand). Cytogenetic location: 9q34.13.
Variant type: Duplication.
Coding change: c.2105_2108dup on transcript NM_000368.5 (MANE Select); coding-DNA positions 2105 to 2108, 4 bases duplicated (TACT; older notation c.2105_2108dupTACT).
Protein change: p.Tyr704fs; shifts the reading frame from tyrosine 704.
Molecular consequence: frameshift variant. On other transcripts: non-coding transcript variant (4).
Genome position (GRCh38, 1-based): chr9:132,903,751-132,903,754, AGTA duplicated on the plus strand (TACT on the coding strand, the reverse complement: TSC1 is on the minus strand); duplicating any 4 consecutive bases within chr9:132,903,751-132,903,755 gives the same sequence; the c. name uses the placement nearest the transcript's 3' end. VCF-style (leftmost placement, unchanged base first): chr9-132903750-G-GAGTA. GRCh37 (hg19) VCF-style: chr9-135779137-G-GAGTA.
Other names: c.2102_2105dup, p.Tyr703fs (NM_001162426.2, NM_001406597.1, NM_001406598.1 and 4 more transcripts); c.1952_1955dup, p.Tyr653fs (NM_001162427.2, NM_001406610.1); c.1742_1745dup, p.Tyr583fs (NM_001362177.2, NM_001406614.1, NM_001406615.1 and 5 more transcripts); c.2105_2108dup, p.Tyr704fs (NM_001406592.1, NM_001406593.1, NM_001406594.1 and 5 more transcripts); c.2090_2093dup, p.Tyr699fs (NM_001406601.1, NM_001406602.1); c.2087_2090dup, p.Tyr698fs (NM_001406603.1, NM_001406604.1); c.1949_1952dup, p.Tyr652fs (NM_001406611.1, NM_001406612.1, NM_001406613.1); c.1739_1742dup, p.Tyr582fs (NM_001406620.1, NM_001406621.1, NM_001406622.1 and 2 more transcripts); and 3 more; short protein forms Y582fs, Y583fs, Y699fs, Y704fs, Y653fs, Y698fs, Y703fs, Y353fs.
Identifiers: ClinVar variation 2696289 (VCV002696289.5), dbSNP rs2538655091, ClinGen allele CA2697558146.